The following is an entry in ClinVar:

ClinVar aggregate classification (germline): Likely benign (1 of 4 stars; one submission).

gnomAD v4.1: 163 of 1,614,064 alleles (0.01%); highest among the groups gnomAD compares: Admixed American, 0.27%; no homozygotes.

Submission:

CeGaT Center for Human Genetics Tuebingen
Classification: Likely benign. Last evaluated: 2026-09-01. Review status: criteria provided, single submitter. Criteria: CeGaT Center For Human Genetics Tuebingen Variant Classification Criteria Version 2. Collection method: clinical testing. Allele origin: germline. Affected: yes. Observed: 3 variant alleles.
Comment: SPEN: BS1

NM_015001.3(SPEN):c.3695A>G (p.His1232Arg)

Gene: SPEN (spen family transcriptional repressor; plus strand). Cytogenetic location: 1p36.13.
Variant type: single nucleotide variant.
Coding change: c.3695A>G on transcript NM_015001.3 (MANE Select); coding-DNA position 3695, A replaced by G.
Protein change: p.His1232Arg; replaces histidine 1232 with arginine.
Molecular consequence: missense variant.
Genome position (GRCh38, 1-based): chr1:15,929,935, A>G. VCF-style: chr1-15929935-A-G. GRCh37 (hg19) VCF-style: chr1-16256430-A-G.
Other names: short protein forms H1232R.
Identifiers: ClinVar variation 5039860 (VCV005039860.1).
Genomic context (GRCh38, chr1:15,929,935, plus strand): 5'-GCAAACCCCCTCAAGATGTCACTGATGACTCTCCTCCTAGCAAAAAGAAAAGGATGGATC[A>G]TGTCGATTTTGATATCTGCACCAAGCGAGAACGGAATTACAGAAGTTCACGCCAAATCAG-3'
Protein context (NP_055816.2, residues 1222-1242): SPPSKKKRMD[His1232Arg]VDFDICTKRE